The following is an entry in ClinVar:

ClinVar aggregate classification (germline): Uncertain significance. Review status: criteria provided, multiple submitters, no conflicts (2 of 4 stars). 7 submissions from 7 submitters: Uncertain significance (7). Last evaluated 2025-12-14.

Conditions:
Hereditary cancer-predisposing syndrome. Also called: Neoplastic Syndromes, Hereditary; Hereditary Cancer Syndrome; Tumor predisposition; Hereditary neoplastic syndrome. Identifiers: Orphanet 140162, MedGen C0027672, MeSH D009386, MONDO:0015356.
Multiple endocrine neoplasia, type 2 (MEN2). Identifiers: Orphanet 653, MedGen C4048306, MONDO:0019003. Disease mechanism: gain of function.
Hirschsprung disease, susceptibility to, 1 (HSCR1). Also called: RET-Related Hirschsprung Disease. Identifiers: Orphanet 388, MedGen C3888239, MONDO:0007723, OMIM 142623.
RET-related disorder. Also called: RET-related disorders; RET-related condition; RET-related disease.
Multiple endocrine neoplasia type 2B. Also called: MEN 2B; MUCOSAL NEUROMA SYNDROME; Multiple endocrine neoplasia, type 3; MULTIPLE ENDOCRINE NEOPLASIA, TYPE IIB; Multiple Endocrine Neoplasia Type 2B (MEN2B); MEN IIB. Identifiers: Orphanet 247709, Orphanet 653, MedGen C0025269, MeSH D018814, MONDO:0008082, OMIM 162300.
Pheochromocytoma. Also called: MAX-Related Hereditary Paraganglioma-Pheochromocytoma Syndrome. Identifiers: Orphanet 29072, MedGen C0031511, MONDO:0008233, OMIM 171300, HP:0002666.
Familial medullary thyroid carcinoma (MTC). Also called: Thyroid cancer, familial medullary; MTC, familial; Familial Medullary Thyroid Carcinoma (FMTC). Identifiers: Orphanet 653, Orphanet 99361, MedGen C1833921, MONDO:0007958, OMIM 155240.
Multiple endocrine neoplasia type 2A. Also called: MULTIPLE ENDOCRINE NEOPLASIA, TYPE IIA; PTC SYNDROME; SIPPLE SYNDROME; MEN 2A; MEN-2A syndrome; Pheochromocytoma and amyloid producing medullary thyroid carcinoma. Identifiers: Orphanet 247698, Orphanet 653, MedGen C0025268, MeSH D018813, MONDO:0008234, OMIM 171400.

Allele frequency attached by ClinVar (database versions not stated): gnomAD exomes below 0.00001 and 0.00001; ExAC 0.00001; TOPMed 0.00001.
gnomAD v4.1: 3 of 1,614,192 alleles (0.00019%); highest among the groups gnomAD compares: Non-Finnish European, 0.00025%; no homozygotes.

Submissions (7):

Labcorp Genetics (formerly Invitae), Labcorp
Classification: Uncertain significance for Multiple endocrine neoplasia, type 2. Last evaluated: 2025-12-14. Review status: criteria provided, single submitter. Criteria: Invitae Variant Classification Sherloc (09022015). Collection method: clinical testing. Allele origin: germline.
Comment: This sequence change replaces lysine, which is basic and polar, with glutamine, which is neutral and polar, at codon 737 of the RET protein (p.Lys737Gln). This variant is present in population databases (rs768217520, gnomAD 0.002%). This variant has not been reported in the literature in individuals affected with RET-related conditions. ClinVar contains an entry for this variant (Variation ID: 655391). An algorithm developed to predict the effect of missense changes on protein structure and function (PolyPhen-2) suggests that this variant is likely to be tolerated. In summary, the available evidence is currently insufficient to determine the role of this variant in disease. Therefore, it has been classified as a Variant of Uncertain Significance.

Ambry Genetics
Classification: Uncertain significance for Hereditary cancer-predisposing syndrome. Last evaluated: 2024-05-31. Review status: criteria provided, single submitter. Criteria: Ambry Variant Classification Scheme 2023. Collection method: clinical testing. Allele origin: germline.
Comment: The p.K737Q variant (also known as c.2209A>C), located in coding exon 12 of the RET gene, results from an A to C substitution at nucleotide position 2209. The lysine at codon 737 is replaced by glutamine, an amino acid with similar properties. This amino acid position is highly conserved in available vertebrate species. In addition, this alteration is predicted to be deleterious by in silico analysis. Based on data from gnomAD, the frequency for this variant is above the maximum credible frequency for a disease-causing variant in association with a multiple endocrine neoplasia type 2 (MEN2) based on internally established thresholds (Karczewski et al. Nature. 2020 May;581(7809):434-443; Whiffin et al. Genet Med. 2017 10;19:1151-1158). Based on the supporting evidence, the association of this alteration with Hirschsprung disease is unknown; however, the association of this alteration with MEN2 is unlikely.

All of Us Research Program, National Institutes of Health
Classification: Uncertain significance for Multiple endocrine neoplasia, type 2. Last evaluated: 2024-03-05. Review status: criteria provided, single submitter. Criteria: ACMG Guidelines, 2015. Collection method: clinical testing. Allele origin: germline. Inheritance: Autosomal dominant inheritance. Observed: 3 variant alleles, 3 heterozygotes.
Comment: This missense variant replaces lysine with glutamine at codon 737 of the RET protein. Computational prediction is inconclusive regarding the impact of this variant on protein structure and function (internally defined REVEL score threshold 0.5 < inconclusive < 0.7, PMID: 27666373). To our knowledge, functional studies have not been reported for this variant. This variant has not been reported in individuals affected with RET-related disorders in the literature. This variant has been identified in 2/251478 chromosomes in the general population by the Genome Aggregation Database (gnomAD). The available evidence is insufficient to determine the role of this variant in disease conclusively. Therefore, this variant is classified as a Variant of Uncertain Significance.

This study involves interpretation of variants in research participants for the purpose of population health screening. Participant phenotype was not available at the time of variant classification. Additional details can be found in publication PMID: 35346344, PMCID: PMC8962531

Baylor Genetics
Classification: Uncertain significance for Hirschsprung disease, susceptibility to, 1. Last evaluated: 2023-06-02. Review status: criteria provided, single submitter. Criteria: ACMG Guidelines, 2015. Collection method: clinical testing. Allele origin: unknown.

GeneDx
Classification: Uncertain significance. Last evaluated: 2023-03-14. Review status: criteria provided, single submitter. Criteria: GeneDx Variant Classification Process June 2021. Collection method: clinical testing. Allele origin: germline. Affected: yes.
Comment: Not observed at significant frequency in large population cohorts (gnomAD); In silico analysis supports that this missense variant does not alter protein structure/function; Has not been previously published as pathogenic or benign to our knowledge; This variant is associated with the following publications: (PMID: 14633923)

PreventionGenetics, part of Exact Sciences
Classification: Uncertain significance for RET-related condition. Last evaluated: 2022-09-15. Review status: criteria provided, single submitter. Criteria: ACMG Guidelines, 2015. Collection method: clinical testing. Allele origin: germline.
Comment: The RET c.2209A>C variant is predicted to result in the amino acid substitution p.Lys737Gln. To our knowledge, this variant has not been reported in the literature. This variant is reported in 0.0018% of alleles in individuals of European (Non-Finnish) descent in gnomAD. At this time, the clinical significance of this variant is uncertain due to the absence of conclusive functional and genetic evidence.

Fulgent Genetics
Classification: Uncertain significance for Hirschsprung disease, susceptibility to, 1; Familial medullary thyroid carcinoma; Multiple endocrine neoplasia type 2B; Pheochromocytoma; Multiple endocrine neoplasia type 2A. Last evaluated: 2021-08-27. Review status: criteria provided, single submitter. Criteria: ACMG Guidelines, 2015. Collection method: clinical testing. Allele origin: unknown.

NM_020975.6(RET):c.2209A>C (p.Lys737Gln)

Gene: RET (ret proto-oncogene; plus strand). Cytogenetic location: 10q11.21.
Variant type: single nucleotide variant.
Coding change: c.2209A>C on transcript NM_020975.6 (MANE Select); coding-DNA position 2209, A replaced by C.
Protein change: p.Lys737Gln; replaces lysine 737 with glutamine.
Molecular consequence: missense variant.
Genome position (GRCh38, 1-based): chr10:43,116,656, A>C. VCF-style: chr10-43116656-A-C. GRCh37 (hg19) VCF-style: chr10-43612104-A-C.
Other names: c.2209A>C, p.Lys737Gln (NM_000323.2, NM_001406743.1, NM_001406744.1 and 4 more transcripts); c.1447A>C, p.Lys483Gln (NM_001355216.2); c.2080A>C, p.Lys694Gln (NM_001406761.1, NM_001406762.1, NM_001406764.1); c.2074A>C, p.Lys692Gln (NM_001406763.1, NM_001406765.1); c.1921A>C, p.Lys641Gln (NM_001406766.1, NM_001406767.1, NM_001406770.1); c.1945A>C, p.Lys649Gln (NM_001406768.1); c.1813A>C, p.Lys605Gln (NM_001406769.1, NM_001406772.1); c.1771A>C, p.Lys591Gln (NM_001406771.1, NM_001406773.1); and 10 more; short protein forms K483Q, K737Q, K254Q, K302Q, K342Q, K393Q, K649Q, K398Q.
Identifiers: ClinVar variation 655391 (VCV000655391.17), dbSNP rs768217520, ClinGen allele CA037784.